The following is an entry in ClinVar:

ClinVar aggregate classification (germline): Uncertain significance. Review status: criteria provided, multiple submitters, no conflicts (2 of 4 stars). 2 submissions from 2 submitters: Uncertain significance (2). Last evaluated 2026-04-21.

Conditions:
UTP4-related disorder. Also called: UTP4-related condition.

Allele frequency attached by ClinVar (database versions not stated): ExAC 0.00001; gnomAD exomes 0.00001; gnomAD 0.00003; TOPMed 0.00005; ESP Exome Variant Server 0.00008.
gnomAD v4.1: 27 of 1,614,168 alleles (0.0017%); highest among the groups gnomAD compares: Admixed American, 0.0033%; no homozygotes.

Submissions (2):

PreventionGenetics, part of Exact Sciences
Classification: Uncertain significance for UTP4-related condition. Last evaluated: 2026-04-21. Review status: criteria provided, single submitter. Criteria: ACMG Guidelines, 2015. Collection method: clinical testing. Allele origin: germline.
Comment: The UTP4 c.244G>A variant is predicted to result in the amino acid substitution p.Glu82Lys. To our knowledge, this variant has not been reported in the literature. This variant is reported in 0.0058% of alleles in individuals of Latino descent in gnomAD. At this time, the clinical significance of this variant is uncertain due to the absence of conclusive functional and genetic evidence.

Labcorp Genetics (formerly Invitae), Labcorp
Classification: Uncertain significance. Last evaluated: 2025-07-14. Review status: criteria provided, single submitter. Criteria: Invitae Variant Classification Sherloc (09022015). Collection method: clinical testing. Allele origin: germline.
Comment: This sequence change replaces glutamic acid, which is acidic and polar, with lysine, which is basic and polar, at codon 82 of the UTP4 protein (p.Glu82Lys). This variant is present in population databases (rs11541983, gnomAD 0.006%). This variant has not been reported in the literature in individuals affected with UTP4-related conditions. ClinVar contains an entry for this variant (Variation ID: 2421536). Invitae Evidence Modeling of protein sequence and biophysical properties (such as structural, functional, and spatial information, amino acid conservation, physicochemical variation, residue mobility, and thermodynamic stability) indicates that this missense variant is not expected to disrupt UTP4 protein function with a negative predictive value of 80%. In summary, the available evidence is currently insufficient to determine the role of this variant in disease. Therefore, it has been classified as a Variant of Uncertain Significance.

NM_032830.3(UTP4):c.244G>A (p.Glu82Lys)

Gene: UTP4 (UTP4 small subunit processome component). Cytogenetic location: 16q22.1.
Variant type: single nucleotide variant.
Coding change: c.244G>A on transcript NM_032830.3 (MANE Select); coding-DNA position 244, G replaced by A.
Protein change: p.Glu82Lys; replaces glutamic acid 82 with lysine.
Molecular consequence: missense variant. On other transcripts: 5 prime UTR variant (1).
Genome position (GRCh38, 1-based): chr16:69,136,780, G>A. VCF-style: chr16-69136780-G-A. GRCh37 (hg19) VCF-style: chr16-69170683-G-A.
Other names: c.244G>A (NM_032830.2); c.-6G>A (NM_001318391.2); short protein forms E82K.
Identifiers: ClinVar variation 2421536 (VCV002421536.7), dbSNP rs11541983, ClinGen allele CA8131972.